The following is an entry in ClinVar:

ClinVar aggregate classification (germline): Uncertain significance. Review status: criteria provided, multiple submitters, no conflicts (2 of 4 stars). 2 submissions from 2 submitters: Uncertain significance (2). Last evaluated 2025-04-03.

Conditions:
Dyskeratosis congenita. Identifiers: Orphanet 1775, MedGen C0265965, MONDO:0015780.
Inborn genetic diseases. Identifiers: MedGen C0950123, MeSH D030342.

Allele frequency attached by ClinVar (database versions not stated): gnomAD exomes 0.00002 and 0.00005; ExAC 0.00004.
gnomAD v4.1: 29 of 1,610,906 alleles (0.0018%); highest among the groups gnomAD compares: South Asian, 0.023%; no homozygotes.

Submissions (2):

Ambry Genetics
Classification: Uncertain significance for Inborn genetic diseases. Last evaluated: 2025-04-03. Review status: criteria provided, single submitter. Criteria: Ambry Variant Classification Scheme 2023. Collection method: clinical testing. Allele origin: germline.

Labcorp Genetics (formerly Invitae), Labcorp
Classification: Uncertain significance for Dyskeratosis congenita. Last evaluated: 2022-08-31. Review status: criteria provided, single submitter. Criteria: Invitae Variant Classification Sherloc (09022015). Collection method: clinical testing. Allele origin: germline.
Comment: This sequence change replaces arginine, which is basic and polar, with glutamine, which is neutral and polar, at codon 276 of the CTC1 protein (p.Arg276Gln). This variant is present in population databases (rs761903168, gnomAD 0.04%). In summary, the available evidence is currently insufficient to determine the role of this variant in disease. Therefore, it has been classified as a Variant of Uncertain Significance. Algorithms developed to predict the effect of missense changes on protein structure and function output the following: SIFT: "Tolerated"; PolyPhen-2: "Benign"; Align-GVGD: "Class C0". The glutamine amino acid residue is found in multiple mammalian species, which suggests that this missense change does not adversely affect protein function. ClinVar contains an entry for this variant (Variation ID: 843561). This variant has not been reported in the literature in individuals affected with CTC1-related conditions.

NM_025099.6(CTC1):c.827G>A (p.Arg276Gln)

Gene: CTC1 (CST telomere replication complex component 1; minus strand). Cytogenetic location: 17p13.1.
Variant type: single nucleotide variant.
Coding change: c.827G>A on transcript NM_025099.6 (MANE Select); coding-DNA position 827, G replaced by A.
Protein change: p.Arg276Gln; replaces arginine 276 with glutamine.
Molecular consequence: missense variant. On other transcripts: non-coding transcript variant (1).
Genome position (GRCh38, 1-based): chr17:8,236,308, C>T on the plus strand (G>A on the coding strand, the complement: CTC1 is on the minus strand). VCF-style: chr17-8236308-C-T. GRCh37 (hg19) VCF-style: chr17-8139626-C-T.
Other names: short protein forms R276Q.
Identifiers: ClinVar variation 843561 (VCV000843561.10), dbSNP rs761903168, ClinGen allele CA8372542.